The following is an entry in ClinVar:

ClinVar aggregate classification (germline): Uncertain significance (1 of 4 stars; one submission).

Conditions:
Ehlers-Danlos syndrome, classic type, 1 (EDSCL1). Also called: Ehlers-Danlos syndrome, type 1; Ehlers-Danlos Syndrome, Classic Type, COL5A1-Related; EDS I; EHLERS-DANLOS SYNDROME, GRAVIS TYPE; EHLERS-DANLOS SYNDROME, SEVERE CLASSIC TYPE. Identifiers: MedGen C0268335, MONDO:0019567, OMIM 130000.

Allele frequency attached by ClinVar (database versions not stated): gnomAD exomes below 0.00001; TOPMed 0.00001; gnomAD 0.00002.
gnomAD v4.1: 5 of 1,613,260 alleles (0.00031%); highest among the groups gnomAD compares: African/African-American, 0.004%; no homozygotes.

Submission:

Labcorp Genetics (formerly Invitae), Labcorp
Classification: Uncertain significance for Ehlers-Danlos syndrome, classic type, 1. Last evaluated: 2022-12-06. Review status: criteria provided, single submitter. Criteria: Invitae Variant Classification Sherloc (09022015). Collection method: clinical testing. Allele origin: germline.
Comment: ClinVar contains an entry for this variant (Variation ID: 841544). This variant has not been reported in the literature in individuals affected with COL5A2-related conditions. This variant is present in population databases (no rsID available, gnomAD 0.01%). This sequence change replaces glutamine, which is neutral and polar, with arginine, which is basic and polar, at codon 851 of the COL5A2 protein (p.Gln851Arg). Algorithms developed to predict the effect of missense changes on protein structure and function are either unavailable or do not agree on the potential impact of this missense change (SIFT: "Tolerated"; PolyPhen-2: "Not Available"; Align-GVGD: "Class C0"). In summary, the available evidence is currently insufficient to determine the role of this variant in disease. Therefore, it has been classified as a Variant of Uncertain Significance.

NM_000393.5(COL5A2):c.2552A>G (p.Gln851Arg)

Gene: COL5A2 (collagen type V alpha 2 chain; minus strand). Cytogenetic location: 2q32.2.
Variant type: single nucleotide variant.
Coding change: c.2552A>G on transcript NM_000393.5 (MANE Select); coding-DNA position 2552, A replaced by G.
Protein change: p.Gln851Arg; replaces glutamine 851 with arginine.
Molecular consequence: missense variant.
Genome position (GRCh38, 1-based): chr2:189,053,425, T>C on the plus strand (A>G on the coding strand, the complement: COL5A2 is on the minus strand). VCF-style: chr2-189053425-T-C. GRCh37 (hg19) VCF-style: chr2-189918151-T-C.
Other names: short protein forms Q851R.
Identifiers: ClinVar variation 841544 (VCV000841544.11), dbSNP rs1286805423, ClinGen allele CA349871542.